The following is an entry in ClinVar:

ClinVar aggregate classification (germline): Conflicting classifications of pathogenicity. Review status: criteria provided, conflicting classifications (1 of 4 stars). 15 submissions from 15 submitters: Uncertain significance (2); Benign (1); Likely benign (8). 4 of the submissions do not count toward it. Last evaluated 2026-03-01.

Conditions:
Cardiovascular phenotype. Identifiers: MedGen CN230736.
MYH6-related disorder. Also called: MYH6-Related Disorders; MYH6-related condition.
Cardiomyopathy (CMYO). Also called: Cardiomyopathies. Identifiers: Orphanet 167848, MedGen C0878544, MONDO:0004994, HP:0001638. Inheritance: Various modes of inheritance.
Hypertrophic cardiomyopathy 14. Identifiers: MedGen C2750467, MONDO:0013197, OMIM 613251.

Allele frequency attached by ClinVar (database versions not stated): gnomAD exomes 0.00007 and 0.00023; gnomAD 0.00013; ESP Exome Variant Server 0.00015; TOPMed 0.00018; ExAC 0.00023; 1000 Genomes Project 0.00060; 1000 Genomes Project 30x 0.00062.
gnomAD v4.1: 154 of 1,614,242 alleles (0.0095%); highest among the groups gnomAD compares: East Asian, 0.13%; 1 homozygote.

Submissions (15):

CeGaT Center for Human Genetics Tuebingen
Classification: Likely benign. Last evaluated: 2026-03-01. Review status: criteria provided, single submitter. Criteria: CeGaT Center For Human Genetics Tuebingen Variant Classification Criteria Version 2. Collection method: clinical testing. Allele origin: germline. Affected: yes. Observed: 1 variant allele.
Comment: MYH6: BS1

Labcorp Genetics (formerly Invitae), Labcorp
Classification: Likely benign for Hypertrophic cardiomyopathy 14. Last evaluated: 2026-01-18. Review status: criteria provided, single submitter. Criteria: Invitae Variant Classification Sherloc (09022015). Collection method: clinical testing. Allele origin: germline.

PreventionGenetics, part of Exact Sciences
Classification: Likely benign for MYH6-related condition. Last evaluated: 2025-03-14. Review status: criteria provided, single submitter. Criteria: ACMG Guidelines, 2015. Collection method: clinical testing. Allele origin: germline.
Comment: This variant is classified as likely benign based on ACMG/AMP sequence variant interpretation guidelines (Richards et al. 2015 PMID: 25741868, with internal and published modifications).

Blueprint Genetics
Classification: Likely benign. Last evaluated: 2024-11-27. Review status: criteria provided, single submitter. Criteria: ACMG Guidelines, 2015. Collection method: clinical testing. Allele origin: germline.

GeneDx
Classification: Likely benign. Last evaluated: 2020-08-04. Review status: criteria provided, single submitter. Criteria: GeneDx Variant Classification Process June 2021. Collection method: clinical testing. Allele origin: germline. Affected: yes.

Women's Health and Genetics/Laboratory Corporation of America, LabCorp
Classification: Likely benign. Last evaluated: 2020-08-03. Review status: criteria provided, single submitter. Criteria: LabCorp Variant Classification Summary - May 2015. Collection method: clinical testing. Allele origin: germline.
Comment: Variant summary: MYH6 c.1252G>A (p.Val418Met) results in a conservative amino acid change located in the Myosin head, motor domain of the encoded protein sequence. Four of five in-silico tools predict a damaging effect of the variant on protein function. The variant allele was found at a frequency of 0.00023 in 251484 control chromosomes, predominantly at a frequency of 0.002 within the East Asian subpopulation in the gnomAD database. The observed variant frequency within East Asian control individuals in the gnomAD database is approximately 80 fold of the estimated maximal expected allele frequency for a pathogenic variant in MYH6 causing Cardiomyopathy phenotype (2.5e-05), strongly suggesting that the variant is a benign polymorphism found primarily in populations of East Asian origin. c.1252G>A has been reported in the literature in individuals affected with DCM and HCM (Pugh_2014, Mademont-Soler_2017, Tran_2019). These reports also suggest that this variant is unlikely to associate with Cardiomyopathy. To our knowledge, no experimental evidence demonstrating an impact on protein function has been reported. Four clinical diagnostic laboratories have submitted clinical-significance assessments for this variant to ClinVar after 2014 without evidence for independent evaluation. All laboratories classified the variant as likely benign. Based on the evidence outlined above, the variant was classified as likely benign.

CHEO Genetics Diagnostic Laboratory, Children's Hospital of Eastern Ontario
Classification: Benign for Cardiomyopathy. Last evaluated: 2020-04-21. Review status: criteria provided, single submitter. Criteria: ACMG Guidelines, 2015. Collection method: clinical testing. Allele origin: germline.

Ambry Genetics
Classification: Likely benign for Cardiovascular phenotype. Last evaluated: 2019-03-18. Review status: criteria provided, single submitter. Criteria: Ambry Variant Classification Scheme 2023. Collection method: clinical testing. Allele origin: germline.

Center for Advanced Laboratory Medicine, UC San Diego Health, University of California San Diego
Classification: Likely benign for Cardiomyopathy. Last evaluated: 2018-02-11. Review status: criteria provided, single submitter. Criteria: ACMG Guidelines, 2015. Collection method: clinical testing. Allele origin: germline. Affected: yes. Observed: 1 variant allele.

Biesecker Lab/Clinical Genomics Section, National Institutes of Health
Classification: Uncertain significance. Last evaluated: 2013-06-24. Review status: criteria provided, single submitter. Criteria: Ng et al. (Circ Cardiovasc Genet. 2013). Collection method: research. Allele origin: unknown. Observed: 1 variant allele. Study: ClinSeq.
Comment: The study set was not selected for affection status in relation to any cancer. Pathogenicity categories were based on literature curation. See Pubmed ID:23861362 for details.

Medical sequencing

Laboratory for Molecular Medicine, Mass General Brigham Personalized Medicine
Classification: Uncertain significance. Last evaluated: 2012-07-31. Review status: criteria provided, single submitter. Criteria: LMM Criteria. Collection method: clinical testing. Allele origin: germline. Observed: 1 variant allele.
Comment: The Val418Met variant in MYH6 has been identified in 1/8600 European American an d 1/4406 African American chromosomes from broad populations by the NHLBI Exome sequencing project (dbSNP rs72646819). These c ould represent presymptomatic individuals. Computational analyses (biochemical a mino acid properties, conservation, AlignGVGD, PolyPhen2, and SIFT) do not provi de strong support for or against an impact to the protein. Additional informatio n is needed to fully assess the clinical significance of this variant.

Clinical Genetics DNA and cytogenetics Diagnostics Lab, Erasmus MC, Erasmus Medical Center
Classification: Likely benign. Review status: no assertion criteria provided. Collection method: clinical testing. Allele origin: germline. Affected: yes. Study: VKGL Data-share Consensus. Not counted in ClinVar's aggregate classification.

Clinical Genetics, Academic Medical Center
Classification: Likely benign. Review status: no assertion criteria provided. Collection method: clinical testing. Allele origin: germline. Affected: yes. Study: VKGL Data-share Consensus. Not counted in ClinVar's aggregate classification.

Diagnostic Laboratory, Department of Genetics, University Medical Center Groningen
Classification: Likely benign. Review status: no assertion criteria provided. Collection method: clinical testing. Allele origin: germline. Affected: yes. Study: VKGL Data-share Consensus. Not counted in ClinVar's aggregate classification.

Genome Diagnostics Laboratory, University Medical Center Utrecht
Classification: Likely benign. Review status: no assertion criteria provided. Collection method: clinical testing. Allele origin: germline. Affected: yes. Study: VKGL Data-share Consensus. Not counted in ClinVar's aggregate classification.

Literature cited by the submitters: PubMed 24503780 (cited by Women's Health and Genetics/Laboratory Corporation of America, LabCorp and Ambry Genetics); PubMed 28771489 (cited by Women's Health and Genetics/Laboratory Corporation of America, LabCorp); PubMed 31308319 (cited by Women's Health and Genetics/Laboratory Corporation of America, LabCorp); PubMed 23861362 (cited by Ambry Genetics).

NM_002471.4(MYH6):c.1252G>A (p.Val418Met)

Gene: MYH6 (myosin heavy chain 6; minus strand). Cytogenetic location: 14q11.2.
Variant type: single nucleotide variant.
Coding change: c.1252G>A on transcript NM_002471.4 (MANE Select); coding-DNA position 1252, G replaced by A.
Protein change: p.Val418Met; replaces valine 418 with methionine.
Molecular consequence: missense variant.
Genome position (GRCh38, 1-based): chr14:23,400,867, C>T on the plus strand (G>A on the coding strand, the complement: MYH6 is on the minus strand). VCF-style: chr14-23400867-C-T. GRCh37 (hg19) VCF-style: chr14-23870076-C-T.
Other names: short protein forms V418M.
Identifiers: ClinVar variation 44449 (VCV000044449.37), dbSNP rs147606900, ClinGen allele CA134230.